The following is an entry in ClinVar:

NM_004996.4(ABCC1):c.1005C>T (p.His335=)

Gene: ABCC1 (ATP binding cassette subfamily C member 1 (ABCC1 blood group); plus strand). Cytogenetic location: 16p13.11.
Variant type: single nucleotide variant.
Coding change: c.1005C>T on transcript NM_004996.4 (MANE Select); coding-DNA position 1005, C replaced by T.
Protein change: p.His335=; no amino-acid change (histidine 335 retained).
Molecular consequence: synonymous variant.
Genome position (GRCh38, 1-based): chr16:16,044,645, C>T. VCF-style: chr16-16044645-C-T. GRCh37 (hg19) VCF-style: chr16-16138502-C-T.
Other names: c.1005C>T, p.His335= (NM_019862.3).
Identifiers: ClinVar variation 2498653 (VCV002498653.28), dbSNP rs201807299, ClinGen allele CA7923742.

ClinVar aggregate classification (germline): Likely benign (1 of 4 stars; one submission).

Allele frequency attached by ClinVar (database versions not stated): gnomAD 0.00009; ExAC 0.00011; TOPMed 0.00014; 1000 Genomes Project 30x 0.00016; 1000 Genomes Project 0.00020; ESP Exome Variant Server 0.00033.
gnomAD v4.1: 291 of 1,614,160 alleles (0.018%); highest among the groups gnomAD compares: Non-Finnish European, 0.023%; no homozygotes.

Submission:

CeGaT Center for Human Genetics Tuebingen
Classification: Likely benign. Last evaluated: 2023-02-01. Review status: criteria provided, single submitter. Criteria: CeGaT Center For Human Genetics Tuebingen Variant Classification Criteria Version 2. Collection method: clinical testing. Allele origin: germline. Affected: yes. Observed: 1 variant allele.
Comment: ABCC1: BP4, BP7